The following is an entry in ClinVar:

NM_006245.4(PPP2R5D):c.598G>A (p.Glu200Lys)

Gene: PPP2R5D (protein phosphatase 2 regulatory subunit B'delta; plus strand). Cytogenetic location: 6p21.1.
Variant type: single nucleotide variant.
Coding change: c.598G>A on transcript NM_006245.4 (MANE Select); coding-DNA position 598, G replaced by A.
Protein change: p.Glu200Lys; replaces glutamic acid 200 with lysine.
Molecular consequence: missense variant.
Genome position (GRCh38, 1-based): chr6:43,007,271, G>A. VCF-style: chr6-43007271-G-A. GRCh37 (hg19) VCF-style: chr6-42975009-G-A.
Other names: p.Glu49Lys; c.145G>A, p.Glu49Lys (NM_001270476.2); c.502G>A, p.Glu168Lys (NM_180976.3); c.280G>A, p.Glu94Lys (NM_180977.3); short protein forms E200K, E168K, E94K, E49K.
Identifiers: ClinVar variation 217456 (VCV000217456.77), dbSNP rs863225079, ClinGen allele CA325480.

ClinVar aggregate classification (germline): Pathogenic/Likely pathogenic. Review status: criteria provided, multiple submitters, no conflicts (2 of 4 stars). 26 submissions from 26 submitters: Pathogenic (17); Likely pathogenic (1). 8 of the submissions do not count toward it. Last evaluated 2026-07-06.

Conditions:
Inborn genetic diseases. Identifiers: MedGen C0950123, MeSH D030342.
Houge-Janssens syndrome 1. Also called: Hogue-Janssens syndrome 1; PPP2R5D-Related Neurodevelopmental Disorder; Intellectual disability-macrocephaly-hypotonia-behavioral abnormalities syndrome; INTELLECTUAL DEVELOPMENTAL DISORDER, AUTOSOMAL DOMINANT 35. Identifiers: Orphanet 457279, MedGen C5779996, MONDO:0014602, OMIM 616355.
PPP2R5D-related disorder. Also called: PPP2R5D-related condition.

Submissions 1 to 14 of 26:

Ambry Genetics
Classification: Pathogenic for Inborn genetic diseases. Last evaluated: 2026-07-06. Review status: criteria provided, single submitter. Criteria: Ambry Variant Classification Scheme 2023. Collection method: clinical testing. Allele origin: germline.
Comment: The c.598G>A (p.E200K) alteration is located in coding exon 5 of the PPP2R5D gene. This alteration results from a G to A substitution at nucleotide position 598, causing the glutamic acid (E) at amino acid position 200 to be replaced by a lysine (K). This variant was not reported in population-based cohorts in the Genome Aggregation Database (gnomAD). This variant was reported in individual(s) with features consistent with PPP2R5D-related neurodevelopmental disorder; in at least one individual, it was determined to be de novo (Loveday, 2015; Houge, 2015; Dong, 2020; Kim, 2020; van der Ven, 2021; Levchenko, 2022) This amino acid position is highly conserved in available vertebrate species. This missense alteration is located in a region that has a low rate of benign missense variation (Lek, 2016; Firth, 2009). This alteration is predicted to be deleterious by in silico analysis. Based on the available evidence, this alteration is classified as pathogenic.

CeGaT Center for Human Genetics Tuebingen
Classification: Pathogenic. Last evaluated: 2026-06-01. Review status: criteria provided, single submitter. Criteria: CeGaT Center For Human Genetics Tuebingen Variant Classification Criteria Version 2. Collection method: clinical testing. Allele origin: germline. Affected: yes. Observed: 5 variant alleles.
Comment: PPP2R5D: PS2:Very Strong, PS4, PM2, PP2, PS3:Supporting

Labcorp Genetics (formerly Invitae), Labcorp
Classification: Pathogenic. Last evaluated: 2025-12-22. Review status: criteria provided, single submitter. Criteria: Invitae Variant Classification Sherloc (09022015). Collection method: clinical testing. Allele origin: germline.
Comment: This sequence change replaces glutamic acid, which is acidic and polar, with lysine, which is basic and polar, at codon 200 of the PPP2R5D protein (p.Glu200Lys). This variant is not present in population databases (gnomAD no frequency). This missense change has been observed in individual(s) with PPP2R5D-related syndromic intellectual disability (PMID: 26168268). In at least one individual the variant was observed to be de novo. ClinVar contains an entry for this variant (Variation ID: 217456). An algorithm developed to predict the effect of missense changes on protein structure and function (PolyPhen-2) suggests that this variant is likely to be disruptive. For these reasons, this variant has been classified as Pathogenic.

Dasa
Classification: Pathogenic. Last evaluated: 2025-10-31. Review status: criteria provided, single submitter. Criteria: DASA Assertion Criteria. Collection method: clinical testing. Allele origin: germline.
Comment: NM_006245.4(PPP2R5D):c.598G>A (p.Glu200Lys) is a missense variant that results in the substitution of glutamic acid with lysine. The affected residue or protein region has prior evidence supporting clinical relevance. De novo occurrence has been reported in an individual with related phenotype. Functional evidence supports a deleterious effect on the gene or gene product (PMID: 26168268; PMID: 29051493; PMID: 32743835; PMID: 32074998; PMID: 33338668). This variant has been recurrently observed in individuals with related phenotype (PMID: 26168268; PMID: 29051493; PMID: 32743835; PMID: 32074998; PMID: 33338668). Multiple computational predictions support a deleterious effect on the gene or gene product. The variant is present at low frequency in population datasets. Based on the available data, this variant is classified as pathogenic.

Institute of Human Genetics, University of Leipzig Medical Center
Classification: Pathogenic for Houge-Janssens syndrome 1. Last evaluated: 2025-08-22. Review status: criteria provided, single submitter. Criteria: ACMG Guidelines, 2015. Collection method: clinical testing. Allele origin: de novo. Inheritance: Autosomal dominant inheritance. Affected: yes.
Comment: Criteria applied: PS2_VSTR,PS3,PS4,PM1,PM2,PP2,PP3

3billion
Classification: Pathogenic for Houge-Janssens syndrome 1. Last evaluated: 2025-05-10. Review status: criteria provided, single submitter. Criteria: ACMG Guidelines, 2015. Collection method: clinical testing. Allele origin: germline. Affected: yes.
Comment: The variant is not observed in the gnomAD v4.1.0 dataset. Predicted Consequence/Location: Missense variant. Missense changes are a common disease-causing mechanism. Functional studies provide moderate evidence of the variant having a damaging effect on the gene or gene product (PMID: 26168268). In silico tool predictions suggest damaging effect of the variant on gene or gene product [REVEL: 0.67 (>=0.6, sensitivity 0.68 and specificity 0.92); 3Cnet: 0.99 (> 0.75, sensitivity 0.96 and precision 0.92)]. The same nucleotide change resulting in the same amino acid change has been previously reported as pathogenic/likely pathogenic with strong evidence (ClinVar ID: VCV000217456 /PMID: 26168268 /3billion dataset). Therefore, this variant is classified as Pathogenic according to the recommendation of ACMG/AMP guideline.

Women's Health and Genetics/Laboratory Corporation of America, LabCorp
Classification: Pathogenic for Houge-Janssens syndrome 1. Last evaluated: 2023-12-15. Review status: criteria provided, single submitter. Criteria: LabCorp Variant Classification Summary - May 2015. Collection method: clinical testing. Allele origin: germline.
Comment: Variant summary: PPP2R5D c.598G>A (p.Glu200Lys) results in a conservative amino acid change in the encoded protein sequence. Four of five in-silico tools predict a damaging effect of the variant on protein function. The variant was absent in 251486 control chromosomes (gnomAD). c.598G>A has been reported in the literature in multiple individuals affected with Intellectual Disability and this variant has been reported in de novo occurrences (Houge_2015, Loveday_2015, Reijnders_2017, Dong_2020, Oyama_2022). These data indicate that the variant is very likely to be associated with disease. Functional studies report experimental evidence evaluating an impact on protein function and this variant affects PPP2R5D protein function (Houge_2015, Oyama_2022). The following publications have been ascertained in the context of this evaluation (PMID: 32005694, 26168268, 25972378, 29051493, 36216457). 15 submitters have cited clinical-significance assessments for this variant to ClinVar after 2014. All submitters classified the variant as pathogenic (n=14) and likely pathogenic (n=1). Based on the evidence outlined above, the variant was classified as pathogenic.

Laboratory of Medical Genetics, National & Kapodistrian University of Athens
Classification: Pathogenic for Houge-Janssens syndrome 1. Last evaluated: 2023-12-05. Review status: criteria provided, single submitter. Criteria: ACMG Guidelines, 2015. Collection method: clinical testing. Allele origin: de novo. Affected: yes.
Comment: PS4, PS3, PM2, PP3, PP5 - The variant has been reported in ClinVar as Pathogenic by other laboratories (Variation ID 217456). This variant has been previously reported as causative for PPP2R5D-related neurodevelopmental disorders (PMID:36216457).

Daryl Scott Lab, Baylor College of Medicine
Classification: Pathogenic for Houge-Janssens syndrome 1. Last evaluated: 2023-11-10. Review status: criteria provided, single submitter. Criteria: ACMG Guidelines, 2015. Collection method: clinical testing. Allele origin: de novo. Affected: yes.

Center for Molecular Medicine, Children’s Hospital of Fudan University
Classification: Pathogenic for Houge-Janssens syndrome 1. Last evaluated: 2023-10-18. Review status: criteria provided, single submitter. Criteria: ACMG Guidelines, 2015. Collection method: clinical testing. Allele origin: unknown. Affected: yes.

Revvity Omics, Revvity
Classification: Pathogenic for Houge-Janssens syndrome 1. Last evaluated: 2022-03-26. Review status: criteria provided, single submitter. Criteria: ACMG Guidelines, 2015. Collection method: clinical testing. Allele origin: germline.

Laboratoire de Génétique Moléculaire, CHU Bordeaux
Classification: Likely pathogenic for Houge-Janssens syndrome 1. Last evaluated: 2022-02-10. Review status: criteria provided, single submitter. Criteria: ACMG Guidelines, 2015. Collection method: clinical testing. Allele origin: germline. Affected: yes.

Breakthrough Genomics
Classification: Pathogenic for Houge-Janssens syndrome 1. Last evaluated: 2021-12-11. Review status: criteria provided, single submitter. Criteria: ACMG Guidelines, 2015. Collection method: clinical testing. Allele origin: germline. Affected: yes.
Comment: This variant was previously reported in unrelated individuals with PPP2R5D-related neurodevelopmental disorder and was identified de novo in one individual [PMID: 26168268, 25972378, 29051493, 26576547]. Functional studies suggested that this variant reduces binding to other protein phosphatase 2A subunits [PMID: 26168268].

GeneDx
Classification: Pathogenic. Last evaluated: 2021-11-03. Review status: criteria provided, single submitter. Criteria: GeneDx Variant Classification Process June 2021. Collection method: clinical testing. Allele origin: germline. Affected: yes.
Comment: Published functional studies demonstrate a damaging effect: deficient holoenzyme formation with some residual binding capability in vitro (Houge et al., 2015); Not observed in large population cohorts (Lek et al., 2016); In silico analysis supports that this missense variant has a deleterious effect on protein structure/function; This variant is associated with the following publications: (PMID: 26576547, 25972378, 26168268, 28867141, 29051493, 30676711, 32743835, 33240318)